The following is an entry in ClinVar:

ClinVar aggregate classification (germline): Uncertain significance. Review status: criteria provided, multiple submitters, no conflicts (2 of 4 stars). 3 submissions from 3 submitters: Uncertain significance (3). Last evaluated 2025-10-01.

Conditions:
Hereditary cancer-predisposing syndrome. Also called: Neoplastic Syndromes, Hereditary; Tumor predisposition; Hereditary Cancer Syndrome; Hereditary neoplastic syndrome. Identifiers: Orphanet 140162, MedGen C0027672, MeSH D009386, MONDO:0015356.
Endometrial carcinoma. Also called: Endometrial carcinoma, somatic. Identifiers: MedGen C0476089, MONDO:0002447, OMIM 608089, HP:0012114.

Allele frequency attached by ClinVar (database versions not stated): gnomAD exomes below 0.00001 and 0.00002; gnomAD 0.00001; TOPMed 0.00001.
gnomAD v4.1: 30 of 1,613,562 alleles (0.0019%); highest among the groups gnomAD compares: African/African-American, 0.0027%; no homozygotes.

Submissions (3):

Labcorp Genetics (formerly Invitae), Labcorp
Classification: Uncertain significance. Last evaluated: 2025-10-01. Review status: criteria provided, single submitter. Criteria: Invitae Variant Classification Sherloc (09022015). Collection method: clinical testing. Allele origin: germline.
Comment: This sequence change replaces histidine, which is basic and polar, with arginine, which is basic and polar, at codon 275 of the MSH3 protein (p.His275Arg). This variant is present in population databases (no rsID available, gnomAD 0.0009%). This variant has not been reported in the literature in individuals affected with MSH3-related conditions. ClinVar contains an entry for this variant (Variation ID: 650171). An algorithm developed to predict the effect of missense changes on protein structure and function (PolyPhen-2) suggests that this variant is likely to be disruptive. In summary, the available evidence is currently insufficient to determine the role of this variant in disease. Therefore, it has been classified as a Variant of Uncertain Significance.

Baylor Genetics
Classification: Uncertain significance for Endometrial carcinoma. Last evaluated: 2024-03-26. Review status: criteria provided, single submitter. Criteria: ACMG Guidelines, 2015. Collection method: clinical testing. Allele origin: unknown.

Ambry Genetics
Classification: Uncertain significance for Hereditary cancer-predisposing syndrome. Last evaluated: 2024-02-06. Review status: criteria provided, single submitter. Criteria: Ambry Variant Classification Scheme 2023. Collection method: clinical testing. Allele origin: germline.
Comment: The p.H275R variant (also known as c.824A>G), located in coding exon 5 of the MSH3 gene, results from an A to G substitution at nucleotide position 824. The histidine at codon 275 is replaced by arginine, an amino acid with highly similar properties. This amino acid position is highly conserved in available vertebrate species. In addition, this alteration is predicted to be deleterious by in silico analysis. Since supporting evidence is limited at this time, the clinical significance of this alteration remains unclear.

NM_002439.5(MSH3):c.824A>G (p.His275Arg)

Gene: MSH3 (mutS homolog 3; plus strand). Cytogenetic location: 5q14.1.
Variant type: single nucleotide variant.
Coding change: c.824A>G on transcript NM_002439.5 (MANE Select); coding-DNA position 824, A replaced by G.
Protein change: p.His275Arg; replaces histidine 275 with arginine.
Molecular consequence: missense variant.
Genome position (GRCh38, 1-based): chr5:80,672,275, A>G. VCF-style: chr5-80672275-A-G. GRCh37 (hg19) VCF-style: chr5-79968094-A-G.
Other names: short protein forms H275R.
Identifiers: ClinVar variation 650171 (VCV000650171.15), dbSNP rs1228477054, ClinGen allele CA360267114.